The following is an entry in ClinVar:

ClinVar aggregate classification (germline): Benign/Likely benign. Review status: criteria provided, multiple submitters, no conflicts (2 of 4 stars). 6 submissions from 6 submitters: Benign (2); Likely benign (2). 2 of the submissions do not count toward it. Last evaluated 2026-07-01.

Conditions:
ACY1-related disorder. Also called: ACY1-related condition.
Aminoacylase 1 deficiency. Also called: Neurological conditions associated with aminoacylase 1 deficiency. Identifiers: Orphanet 137754, MedGen C1835922, MONDO:0012368, OMIM 609924.

Allele frequency attached by ClinVar (database versions not stated): gnomAD exomes 0.00367 and 0.00420; ExAC 0.00399; 1000 Genomes Project 0.00280; 1000 Genomes Project 30x 0.00281; TOPMed 0.00296; gnomAD 0.00340 and 0.00345.

Submissions (6):

CeGaT Center for Human Genetics Tuebingen
Classification: Likely benign. Last evaluated: 2026-07-01. Review status: criteria provided, single submitter. Criteria: CeGaT Center For Human Genetics Tuebingen Variant Classification Criteria Version 2. Collection method: clinical testing. Allele origin: germline. Affected: yes. Observed: 8 variant alleles.
Comment: ACY1: BP4, BS2; ABHD14A-ACY1: BP4, BS2

Labcorp Genetics (formerly Invitae), Labcorp
Classification: Benign. Last evaluated: 2026-01-27. Review status: criteria provided, single submitter. Criteria: Invitae Variant Classification Sherloc (09022015). Collection method: clinical testing. Allele origin: germline.

Blueprint Genetics
Classification: Likely benign. Last evaluated: 2024-11-26. Review status: criteria provided, single submitter. Criteria: ACMG Guidelines, 2015. Collection method: clinical testing. Allele origin: germline.

Eurofins Ntd Llc (ga)
Classification: Benign. Last evaluated: 2016-06-14. Review status: criteria provided, single submitter. Criteria: EGL Classification Definitions 2015. Collection method: clinical testing. Allele origin: germline. Observed: 2 variant alleles, 2 heterozygotes.

PreventionGenetics, part of Exact Sciences
Classification: Likely benign for ACY1-related condition. Last evaluated: 2021-02-10. Review status: no assertion criteria provided. Collection method: clinical testing. Allele origin: germline. Not counted in ClinVar's aggregate classification.
Comment: This variant is classified as likely benign based on ACMG/AMP sequence variant interpretation guidelines (Richards et al. 2015 PMID: 25741868, with internal and published modifications).

OMIM
Classification: Pathogenic for AMINOACYLASE 1 DEFICIENCY. Last evaluated: 2007-06-12. Review status: no assertion criteria provided. Collection method: literature only. Allele origin: germline. Not counted in ClinVar's aggregate classification.

Literature cited by the submitters: PubMed 21414403 (cited by Eurofins Ntd Llc (ga)); PubMed 17562838 (cited by OMIM).

NM_000666.3(ACY1):c.1178G>A (p.Arg393His)

Genes: ACY1 (aminoacylase 1; plus strand), ABHD14A-ACY1 (ABHD14A-ACY1 readthrough; plus strand). Cytogenetic location: 3p21.2.
Variant type: single nucleotide variant.
Coding change: c.1178G>A on transcript NM_000666.3 (MANE Select); coding-DNA position 1178, G replaced by A.
Protein change: p.Arg393His; replaces arginine 393 with histidine.
Molecular consequence: missense variant.
Genome position (GRCh38, 1-based): chr3:51,989,026, G>A. VCF-style: chr3-51989026-G-A. GRCh37 (hg19) VCF-style: chr3-52023042-G-A.
Other names: c.1178G>A, p.Arg393His (NM_001198895.2); c.962G>A, p.Arg321His (NM_001198896.2); c.983G>A, p.Arg328His (NM_001198897.2); c.1073G>A, p.Arg358His (NM_001198898.2); c.1448G>A, p.Arg483His (NM_001316331.2); short protein forms R393H, R321H, R358H, R483H, R328H.
Identifiers: ClinVar variation 18114 (VCV000018114.58), dbSNP rs121912701, ClinGen allele CA127829.